The following is an entry in ClinVar:

NM_152564.5(VPS13B):c.10825G>A (p.Ala3609Thr)

Gene: VPS13B (vacuolar protein sorting 13 homolog B; plus strand). Cytogenetic location: 8q22.2.
Variant type: single nucleotide variant.
Coding change: c.10825G>A on transcript NM_152564.5 (MANE Select); coding-DNA position 10825, G replaced by A.
Protein change: p.Ala3609Thr; replaces alanine 3609 with threonine.
Molecular consequence: missense variant.
Genome position (GRCh38, 1-based): chr8:99,854,214, G>A. VCF-style: chr8-99854214-G-A. GRCh37 (hg19) VCF-style: chr8-100866442-G-A.
Other names: c.10825G>A (NM_152564.4); c.10900G>A, p.Ala3634Thr (NM_017890.5); c.10900G>A (NM_017890.3); short protein forms A3609T, A3634T.
Identifiers: ClinVar variation 855894 (VCV000855894.10), dbSNP rs769606496, ClinGen allele CA4825024.

ClinVar aggregate classification (germline): Uncertain significance. Review status: criteria provided, multiple submitters, no conflicts (2 of 4 stars). 4 submissions from 4 submitters: Uncertain significance (3). 1 of the submissions does not count toward it. Last evaluated 2026-07-02.

Conditions:
Inborn genetic diseases. Identifiers: MedGen C0950123, MeSH D030342.
VPS13B-related disorder. Also called: VPS13B-related condition.
Cohen syndrome (COH1). Also called: PEPPER SYNDROME; Cutis verticis gyrata, retinitis pigmentosa, and sensorineural deafness. Identifiers: Orphanet 193, MedGen C0265223, MONDO:0008999, OMIM 216550.

Allele frequency attached by ClinVar (database versions not stated): gnomAD exomes 0.00001; ExAC 0.00002; TOPMed 0.00004.
gnomAD v4.1: 14 of 1,613,962 alleles (0.00087%); highest among the groups gnomAD compares: African/African-American, 0.0027%; no homozygotes.

Submissions (4):

PreventionGenetics, part of Exact Sciences
Classification: Uncertain significance for VPS13B-related condition. Last evaluated: 2026-07-02. Review status: criteria provided, single submitter. Criteria: ACMG Guidelines, 2015. Collection method: clinical testing. Allele origin: germline.
Comment: The VPS13B c.10825G>A variant is predicted to result in the amino acid substitution p.Ala3609Thr. To our knowledge, this variant has not been reported in the literature. This variant is reported in 0.0046% of alleles in individuals of European (Finnish) descent in gnomAD. At this time, the clinical significance of this variant is uncertain due to the absence of conclusive functional and genetic evidence.

Labcorp Genetics (formerly Invitae), Labcorp
Classification: Uncertain significance for Cohen syndrome. Last evaluated: 2025-01-15. Review status: criteria provided, single submitter. Criteria: Invitae Variant Classification Sherloc (09022015). Collection method: clinical testing. Allele origin: germline.
Comment: This sequence change replaces alanine, which is neutral and non-polar, with threonine, which is neutral and polar, at codon 3634 of the VPS13B protein (p.Ala3634Thr). This variant is present in population databases (rs769606496, gnomAD 0.004%). This variant has not been reported in the literature in individuals affected with VPS13B-related conditions. ClinVar contains an entry for this variant (Variation ID: 855894). Invitae Evidence Modeling of protein sequence and biophysical properties (such as structural, functional, and spatial information, amino acid conservation, physicochemical variation, residue mobility, and thermodynamic stability) indicates that this missense variant is expected to disrupt VPS13B protein function with a positive predictive value of 80%. In summary, the available evidence is currently insufficient to determine the role of this variant in disease. Therefore, it has been classified as a Variant of Uncertain Significance.

Ambry Genetics
Classification: Uncertain significance for Inborn genetic diseases. Last evaluated: 2024-11-08. Review status: criteria provided, single submitter. Criteria: Ambry Variant Classification Scheme 2023. Collection method: clinical testing. Allele origin: germline.

Natera, Inc.
Classification: Uncertain significance for Cohen syndrome. Last evaluated: 2021-05-21. Review status: no assertion criteria provided. Collection method: clinical testing. Allele origin: germline. Not counted in ClinVar's aggregate classification.